The following is an entry in ClinVar:

ClinVar aggregate classification (germline): Uncertain significance (1 of 4 stars; one submission).

Conditions:
Combined pituitary hormone deficiencies, genetic form. Also called: Pituitary hormone deficiency, combined. Identifiers: Orphanet 95494, MedGen C4273747, MONDO:0013099.

Submission:

Key Laboratory of Endocrinology, Affiliated Hospital of Jining Medical University
Classification: Uncertain significance for Combined pituitary hormone deficiencies, genetic form. Last evaluated: 2026-04-23. Review status: criteria provided, single submitter. Criteria: ACMG Guidelines, 2015. Collection method: clinical testing. Allele origin: de novo. Affected: yes. Observed: 1 variant allele.
Comment: The variant is absent from the gnomAD v2.1.1 database (PM2_Supporting) and was identified exclusively in the proband (PS4_Supporting). It is located in a highly conserved residue within the forkhead DNA-binding domain. Multiple in silico prediction tools, including MutationTaster, PolyPhen-2, and PROVEAN, consistently predict a deleterious impact on protein function (PP3). Collectively, according to the ACMG/AMP criteria, this variant is classified as a Variant of Uncertain Significance (VUS), supported by PS2_Moderate, PS4_Supporting, PM2_Supporting, and PP3 evidence.

NM_021784.5(FOXA2):c.497C>T (p.Pro166Leu)

Gene: FOXA2 (forkhead box A2; minus strand). Cytogenetic location: 20p11.21.
Variant type: single nucleotide variant.
Coding change: c.497C>T on transcript NM_021784.5 (MANE Select); coding-DNA position 497, C replaced by T.
Protein change: p.Pro166Leu; replaces proline 166 with leucine.
Molecular consequence: missense variant.
Genome position (GRCh38, 1-based): chr20:22,582,745, G>A on the plus strand (C>T on the coding strand, the complement: FOXA2 is on the minus strand). VCF-style: chr20-22582745-G-A. GRCh37 (hg19) VCF-style: chr20-22563383-G-A.
Other names: c.479C>T, p.Pro160Leu (NM_153675.3); short protein forms P160L, P166L.
Identifiers: ClinVar variation 4845424 (VCV004845424.1).
Genomic context (GRCh38, chr20:22,582,745, plus strand): 5'-AGCATCTTGTTGGGGCTCTGCTGGATGGCCATGGTGATGAGCGAGATGTACGAGTAGGGC[G>A]GCTTTGCGTGCGTGTAGCTGCGCCTGTAGGTCTTGGGGTCGCGGGCGCGGCTCAGGCCCG-3'
Protein context (NP_068556.2, residues 156-176): TYRRSYTHAK[Pro166Leu]PYSYISLITM